The following is an entry in ClinVar:

NM_000051.4(ATM):c.4428C>G (p.Ile1476Met)

Gene: ATM (ATM serine/threonine kinase; plus strand). Cytogenetic location: 11q22.3.
Variant type: single nucleotide variant.
Coding change: c.4428C>G on transcript NM_000051.4 (MANE Select); coding-DNA position 4428, C replaced by G.
Protein change: p.Ile1476Met; replaces isoleucine 1476 with methionine.
Molecular consequence: missense variant.
Genome position (GRCh38, 1-based): chr11:108,289,793, C>G. VCF-style: chr11-108289793-C-G. GRCh37 (hg19) VCF-style: chr11-108160520-C-G.
Other names: c.4428C>G, p.Ile1476Met (NM_001351834.2); short protein forms I1476M.
Identifiers: ClinVar variation 231794 (VCV000231794.12), dbSNP rs876659370, ClinGen allele CA10579149.
Genomic context (GRCh38, chr11:108,289,793, plus strand): 5'-CTTAGGAGGAGCTTGGGCCTTTGTTCTTCGAGACGTTATTTATACTTTGATTCACTATAT[C>G]AACCAAAGGTAAATAACATATTTAGACCAATATATAAGCAGTCTTTCTATCCTGTTCTTC-3'
Protein context (NP_000042.3, residues 1466-1486): RDVIYTLIHY[Ile1476Met]NQRPSCIMDV

ClinVar aggregate classification (germline): Uncertain significance. Review status: criteria provided, multiple submitters, no conflicts (2 of 4 stars). 4 submissions from 4 submitters: Uncertain significance (4). Last evaluated 2024-05-10.

Conditions:
Hereditary cancer-predisposing syndrome. Also called: Hereditary Cancer Syndrome; Neoplastic Syndromes, Hereditary; Tumor predisposition; Hereditary neoplastic syndrome. Identifiers: Orphanet 140162, MedGen C0027672, MeSH D009386, MONDO:0015356.
Familial cancer of breast. Also called: Hereditary breast cancer; hereditary breast carcinoma; BREAST CANCER, FAMILIAL. Identifiers: Orphanet 227535, MedGen C0346153, MONDO:0016419, OMIM 114480. Disease mechanism: loss of function.
Ataxia-telangiectasia syndrome (AT). Also called: Ataxia telangiectasia (A-T); Ataxia-telangiectasia, complementation group E; LOUIS-BAR SYNDROME; Cerebello-oculocutaneous telangiectasia; Immunodeficiency with ataxia telangiectasia; Ataxia-telangiectasia, complementation group D. Identifiers: Orphanet 100, MedGen C0004135, MONDO:0008840, OMIM 208900.

Allele frequency attached by ClinVar (database versions not stated): gnomAD exomes below 0.00001.
gnomAD v4.1: 1 of 1,612,302 alleles (0.000062%); highest among the groups gnomAD compares: Non-Finnish European, 0.000085%; no homozygotes.

Submissions (4):

Ambry Genetics
Classification: Uncertain significance for Hereditary cancer-predisposing syndrome. Last evaluated: 2024-05-10. Review status: criteria provided, single submitter. Criteria: Ambry Variant Classification Scheme 2023. Collection method: clinical testing. Allele origin: germline.
Comment: The p.I1476M variant (also known as c.4428C>G), located in coding exon 28 of the ATM gene, results from a C to G substitution at nucleotide position 4428. The isoleucine at codon 1476 is replaced by methionine, an amino acid with highly similar properties. This amino acid position is well conserved in available vertebrate species. In addition, this alteration is predicted to be tolerated by in silico analysis. Since supporting evidence is limited at this time, the clinical significance of this alteration remains unclear.

Baylor Genetics
Classification: Uncertain significance for Familial cancer of breast. Last evaluated: 2024-03-24. Review status: criteria provided, single submitter. Criteria: ACMG Guidelines, 2015. Collection method: clinical testing. Allele origin: unknown.

GeneDx
Classification: Uncertain significance. Last evaluated: 2024-01-31. Review status: criteria provided, single submitter. Criteria: GeneDx Variant Classification Process June 2021. Collection method: clinical testing. Allele origin: germline. Affected: yes.
Comment: Not observed at significant frequency in large population cohorts (gnomAD); In silico analysis supports that this missense variant does not alter protein structure/function; Has not been previously published as pathogenic or benign to our knowledge

Labcorp Genetics (formerly Invitae), Labcorp
Classification: Uncertain significance for Ataxia-telangiectasia syndrome. Last evaluated: 2022-01-26. Review status: criteria provided, single submitter. Criteria: Invitae Variant Classification Sherloc (09022015). Collection method: clinical testing. Allele origin: germline.
Comment: This sequence change replaces isoleucine, which is neutral and non-polar, with methionine, which is neutral and non-polar, at codon 1476 of the ATM protein (p.Ile1476Met). This variant is not present in population databases (gnomAD no frequency). This variant has not been reported in the literature in individuals affected with ATM-related conditions. ClinVar contains an entry for this variant (Variation ID: 231794). Advanced modeling of protein sequence and biophysical properties (such as structural, functional, and spatial information, amino acid conservation, physicochemical variation, residue mobility, and thermodynamic stability) performed at Invitae indicates that this missense variant is not expected to disrupt ATM protein function. In summary, the available evidence is currently insufficient to determine the role of this variant in disease. Therefore, it has been classified as a Variant of Uncertain Significance.